The following is an entry in ClinVar:

ClinVar aggregate classification (germline): Uncertain significance (1 of 4 stars; one submission).

Conditions:
Long QT syndrome (LQTS). Identifiers: MedGen C0023976, MeSH D008133, MONDO:0002442. Disease mechanism: loss of function. Inheritance: Various modes of inheritance.

gnomAD v4.1: 2 of 1,613,748 alleles (0.00012%); highest among the groups gnomAD compares: South Asian, 0.0011%; no homozygotes.

Submission:

Labcorp Genetics (formerly Invitae), Labcorp
Classification: Uncertain significance for Long QT syndrome. Last evaluated: 2025-10-01. Review status: criteria provided, single submitter. Criteria: Invitae Variant Classification Sherloc (09022015). Collection method: clinical testing. Allele origin: germline.
Comment: This sequence change replaces glutamic acid, which is acidic and polar, with lysine, which is basic and polar, at codon 1873 of the CACNA1C protein (p.Glu1873Lys). This variant is present in population databases (rs759495610, gnomAD 0.003%). This variant has not been reported in the literature in individuals affected with CACNA1C-related conditions. Invitae Evidence Modeling of protein sequence and biophysical properties (such as structural, functional, and spatial information, amino acid conservation, physicochemical variation, residue mobility, and thermodynamic stability) indicates that this missense variant is not expected to disrupt CACNA1C protein function with a negative predictive value of 95%. In summary, the available evidence is currently insufficient to determine the role of this variant in disease. Therefore, it has been classified as a Variant of Uncertain Significance.

NM_000719.7(CACNA1C):c.5617G>A (p.Glu1873Lys)

Genes: CACNA1C (calcium voltage-gated channel subunit alpha1 C; plus strand), CACNA1C-AS1 (CACNA1C antisense RNA 1; minus strand). Cytogenetic location: 12p13.33.
Variant type: single nucleotide variant.
Coding change: c.5617G>A on transcript NM_000719.7 (MANE Select); coding-DNA position 5617, G replaced by A.
Protein change: p.Glu1873Lys; replaces glutamic acid 1873 with lysine.
Molecular consequence: missense variant.
Genome position (GRCh38, 1-based): chr12:2,685,779, G>A. VCF-style: chr12-2685779-G-A. GRCh37 (hg19) VCF-style: chr12-2794945-G-A.
Other names: c.5761G>A, p.Glu1921Lys (NM_001129827.2); c.5740G>A, p.Glu1914Lys (NM_001129829.2); c.5722G>A, p.Glu1908Lys (NM_001129830.3, NM_001167624.3); c.5701G>A, p.Glu1901Lys (NM_001129831.2); c.5677G>A, p.Glu1893Lys (NM_001129832.2); c.5674G>A, p.Glu1892Lys (NM_001129833.2, NM_001129834.2, NM_001129835.2); c.5668G>A, p.Glu1890Lys (NM_001129836.2); c.5641G>A, p.Glu1881Lys (NM_001129837.2, NM_001129838.2); and 6 more; short protein forms E1873K, E1881K, E1892K, E1914K, E1956K, E1870K, E1879K, E1890K.
Identifiers: ClinVar variation 4701030 (VCV004701030.1).